The following is an entry in ClinVar:

NM_001267550.2(TTN):c.88636_88637del (p.Val29546fs)

Genes: TTN-AS1 (TTN antisense RNA 1; plus strand), TTN (titin; minus strand). Cytogenetic location: 2q31.2.
Variant type: Deletion.
Coding change: c.88636_88637del on transcript NM_001267550.2 (MANE Select); coding-DNA positions 88636 to 88637, 2 bases deleted (GT; older notation c.88636_88637delGT).
Protein change: p.Val29546fs; shifts the reading frame from valine 29546.
Molecular consequence: frameshift variant.
Genome position (GRCh38, 1-based): chr2:178,554,710-178,554,711, AC deleted on the plus strand (GT on the coding strand, the reverse complement: TTN is on the minus strand); deleting any 2 consecutive bases within chr2:178,554,710-178,554,712 gives the same sequence; the c. name uses the placement nearest the transcript's 3' end. VCF-style (leftmost placement, unchanged base first): chr2-178554709-TAC-T. GRCh37 (hg19) VCF-style: chr2-179419436-TAC-T.
Other names: c.83713_83714del, p.Val27905fs (NM_001256850.1); c.61441_61442del, p.Val20481fs (NM_003319.4); c.80932_80933del, p.Val26978fs (NM_133378.4); c.61816_61817del, p.Val20606fs (NM_133432.3); c.62017_62018del, p.Val20673fs (NM_133437.4); c.61441_61442delGT (NM_003319.4); short protein forms V20673fs, V26978fs, V27905fs, V20481fs, V20606fs, V29546fs.
Identifiers: ClinVar variation 2451952 (VCV002451952.3), dbSNP rs2469391309, ClinGen allele CA2580064673.

ClinVar aggregate classification (germline): Likely pathogenic. Review status: criteria provided, multiple submitters, no conflicts (2 of 4 stars). 2 submissions from 2 submitters: Likely pathogenic (2). Last evaluated 2025-12-03.

Conditions:
Autosomal recessive limb-girdle muscular dystrophy type 2J (LGMDR10). Also called: Limb-girdle muscular dystrophy, type 2J; MUSCULAR DYSTROPHY, LIMB-GIRDLE, AUTOSOMAL RECESSIVE 10. Identifiers: Orphanet 140922, MedGen C1837342, MONDO:0012127, OMIM 608807.
Dilated cardiomyopathy 1G (CMD1G). Identifiers: Orphanet 154, MedGen C1858763, MONDO:0011400, OMIM 604145.
Cardiovascular phenotype. Identifiers: MedGen CN230736.

Submissions (2):

Labcorp Genetics (formerly Invitae), Labcorp
Classification: Likely pathogenic for Dilated cardiomyopathy 1G; Autosomal recessive limb-girdle muscular dystrophy type 2J. Last evaluated: 2025-12-03. Review status: criteria provided, single submitter. Criteria: Invitae Variant Classification Sherloc (09022015). Collection method: clinical testing. Allele origin: germline.
Comment: This sequence change creates a premature translational stop signal (p.Val29546Asnfs*3) in the TTN gene. While this is not anticipated to result in nonsense mediated decay, it is expected to create a truncated TTN protein. This variant is not present in population databases (gnomAD no frequency). This variant has not been reported in the literature in individuals affected with TTN-related conditions. ClinVar contains an entry for this variant (Variation ID: 2451952). This variant is located in the A band of TTN (PMID: 25589632). Truncating variants in this region are significantly overrepresented in patients affected with dilated cardiomyopathy (PMID: 25589632). Truncating variants in this region have also been reported in individuals affected with autosomal recessive centronuclear myopathy (PMID: 23975875). In summary, the currently available evidence indicates that the variant is pathogenic, but additional data are needed to prove that conclusively. Therefore, this variant has been classified as Likely Pathogenic.

Ambry Genetics
Classification: Likely pathogenic for Cardiovascular phenotype. Last evaluated: 2023-03-11. Review status: criteria provided, single submitter. Criteria: Ambry Variant Classification Scheme 2023. Collection method: clinical testing. Allele origin: germline.
Comment: The c.61441_61442delGT variant, located in coding exon 159 of the TTN gene, results from a deletion of two nucleotides at nucleotide positions 61441 to 61442, causing a translational frameshift with a predicted alternate stop codon (p.V20481Nfs*3). This exon is located in the A-band region of the N2-B isoform of the titin protein and is constitutively expressed in TTN transcripts (percent spliced in or PSI 100%). This variant is considered to be rare based on population cohorts in the Genome Aggregation Database (gnomAD). This alteration is expected to result in loss of function by premature protein truncation or nonsense-mediated mRNA decay. While truncating variants in TTN are present in 1-3% of the general population, truncating variants in the A-band are the most common cause of dilated cardiomyopathy (DCM) (Herman DS et al. N. Engl. J. Med., 2012 Feb;366:619-28; Roberts AM et al. Sci Transl Med, 2015 Jan;7:270ra6). TTN truncating variants encoded in constitutive exons (PSI >90%) have been found to be significantly associated with DCM regardless of their position in titin (Schafer S et al. Nat. Genet., 2017 01;49:46-53). Based on the majority of available evidence to date, this variant is likely to be pathogenic.

Literature cited by the submitters: PubMed 25589632 (cited by Labcorp Genetics (formerly Invitae), Labcorp); PubMed 23975875 (cited by Labcorp Genetics (formerly Invitae), Labcorp).